The following is an entry in ClinVar:

NM_001605.3(AARS1):c.1222G>T (p.Gly408Ter)

Gene: AARS1 (alanyl-tRNA synthetase 1; minus strand). Cytogenetic location: 16q22.1.
Variant type: single nucleotide variant.
Coding change: c.1222G>T on transcript NM_001605.3 (MANE Select); coding-DNA position 1222, G replaced by T.
Protein change: p.Gly408Ter; replaces glycine 408 with a stop codon.
Molecular consequence: nonsense.
Genome position (GRCh38, 1-based): chr16:70,267,659, C>A on the plus strand (G>T on the coding strand, the complement: AARS1 is on the minus strand). VCF-style: chr16-70267659-C-A. GRCh37 (hg19) VCF-style: chr16-70301562-C-A.
Other names: short protein forms G408*.
Identifiers: ClinVar variation 1682244 (VCV001682244.6), dbSNP rs369135192, ClinGen allele CA396563162.

ClinVar aggregate classification (germline): Pathogenic (1 of 4 stars; one submission).

Conditions:
Charcot-Marie-Tooth disease type 2. Also called: Charcot-Marie-Tooth type 2. Identifiers: Orphanet 64746, MedGen C0270914, MONDO:0018993.

gnomAD v4.1: 2 of 1,614,106 alleles (0.00012%); highest among the groups gnomAD compares: Non-Finnish European, 0.00017%; no homozygotes.

Submission:

Labcorp Genetics (formerly Invitae), Labcorp
Classification: Pathogenic for Charcot-Marie-Tooth disease type 2. Last evaluated: 2024-03-06. Review status: criteria provided, single submitter. Criteria: Invitae Variant Classification Sherloc (09022015). Collection method: clinical testing. Allele origin: germline.
Comment: This sequence change creates a premature translational stop signal (p.Gly408*) in the AARS gene. It is expected to result in an absent or disrupted protein product. Loss-of-function variants in AARS are known to be pathogenic (PMID: 25817015, 28493438, 34446925). This variant is present in population databases (no rsID available, gnomAD 0.0009%). This variant has not been reported in the literature in individuals affected with AARS-related conditions. ClinVar contains an entry for this variant (Variation ID: 1682244). For these reasons, this variant has been classified as Pathogenic.

Literature cited by the submitters: PubMed 25817015; PubMed 28493438; PubMed 34446925.